The following is an entry in ClinVar:

ClinVar aggregate classification (germline): Pathogenic. Review status: criteria provided, multiple submitters, no conflicts (2 of 4 stars). 3 submissions from 3 submitters: Pathogenic (3). Last evaluated 2024-12-16.

Conditions:
Autosomal recessive ataxia, Beauce type. Also called: Spinocerebellar ataxia, autosomal recessive 8; ATAXIA, RECESSIVE, OF BEAUCE; SYNE1-Related Autosomal Recessive Cerebellar Ataxia; SYNE1 Deficiency. Identifiers: Orphanet 88644, MedGen C1853116, MONDO:0012549, OMIM 610743.
Emery-Dreifuss muscular dystrophy 4, autosomal dominant (EDMD4). Also called: EMERY-DREIFUSS MUSCULAR DYSTROPHY 4 WITH VARIABLE FEATURES. Identifiers: Orphanet 261, MedGen C2751807, MONDO:0013071, OMIM 612998.
Arthrogryposis multiplex congenita 3, myogenic type. Also called: ARTHROGRYPOSIS MULTIPLEX CONGENITA, MYOGENIC TYPE. Identifiers: MedGen C5193121, MONDO:0032778, OMIM 618484.

Allele frequency attached by ClinVar (database versions not stated): ExAC 0.00002; TOPMed 0.00003.
gnomAD v4.1: 12 of 1,613,616 alleles (0.00074%); highest among the groups gnomAD compares: East Asian, 0.0067%; no homozygotes.

Submissions (3):

Labcorp Genetics (formerly Invitae), Labcorp
Classification: Pathogenic for Emery-Dreifuss muscular dystrophy 4, autosomal dominant; Autosomal recessive ataxia, Beauce type. Last evaluated: 2024-12-16. Review status: criteria provided, single submitter. Criteria: Invitae Variant Classification Sherloc (09022015). Collection method: clinical testing. Allele origin: germline.
Comment: This sequence change creates a premature translational stop signal (p.Arg5300*) in the SYNE1 gene. It is expected to result in an absent or disrupted protein product. Loss-of-function variants in SYNE1 are known to be pathogenic (PMID: 19542096, 24319099, 27086870). This variant is present in population databases (rs772587027, gnomAD 0.01%). This variant has not been reported in the literature in individuals affected with SYNE1-related conditions. ClinVar contains an entry for this variant (Variation ID: 1072998). For these reasons, this variant has been classified as Pathogenic.

Institute of Medical Genetics and Applied Genomics, University Hospital Tübingen
Classification: Pathogenic for Autosomal recessive ataxia, Beauce type. Last evaluated: 2023-04-06. Review status: criteria provided, single submitter. Criteria: ACMG Guidelines, 2015. Collection method: clinical testing. Allele origin: germline. Inheritance: Autosomal recessive inheritance. Affected: yes.

Juno Genomics, Hangzhou Juno Genomics, Inc
Classification: Pathogenic for Autosomal recessive ataxia, Beauce type; Arthrogryposis multiplex congenita 3, myogenic type; Emery-Dreifuss muscular dystrophy 4, autosomal dominant. Review status: criteria provided, single submitter. Criteria: ACMG Guidelines, 2015. Collection method: clinical testing. Allele origin: germline. Affected: yes.
Comment: Absent from controls (or at extremely low frequency if recessive) in Genome Aggregation Database, Exome Sequencing Project, 1000 Genomes Project, or Exome Aggregation Consortium.;Null variant in a gene where loss of function (LOF) is a known mechanism of disease.;For recessive disorders, detected in trans with a pathogenic variant.

Literature cited by the submitters: PubMed 19542096 (cited by Labcorp Genetics (formerly Invitae), Labcorp); PubMed 24319099 (cited by Labcorp Genetics (formerly Invitae), Labcorp); PubMed 27086870 (cited by Labcorp Genetics (formerly Invitae), Labcorp).

NM_182961.4(SYNE1):c.16111C>T (p.Arg5371Ter)

Gene: SYNE1 (spectrin repeat containing nuclear envelope protein 1; minus strand). Cytogenetic location: 6q25.2.
Variant type: single nucleotide variant.
Coding change: c.16111C>T on transcript NM_182961.4 (MANE Select); coding-DNA position 16111, C replaced by T.
Protein change: p.Arg5371Ter; replaces arginine 5371 with a stop codon.
Molecular consequence: nonsense.
Genome position (GRCh38, 1-based): chr6:152,321,363, G>A on the plus strand (C>T on the coding strand, the complement: SYNE1 is on the minus strand). VCF-style: chr6-152321363-G-A. GRCh37 (hg19) VCF-style: chr6-152642498-G-A.
Other names: c.15898C>T, p.Arg5300Ter (NM_033071.5); short protein forms R5300*, R5371*.
Identifiers: ClinVar variation 1072998 (VCV001072998.8), dbSNP rs772587027, ClinGen allele CA4055606.